The following is an entry in ClinVar:

ClinVar aggregate classification (germline): Uncertain significance (1 of 4 stars; one submission).

Allele frequency attached by ClinVar (database versions not stated): gnomAD 0.00001; ExAC 0.00002; gnomAD exomes 0.00002 and 0.00003; TOPMed 0.00003.
gnomAD v4.1: 12 of 1,614,120 alleles (0.00074%); highest among the groups gnomAD compares: Admixed American, 0.018%; no homozygotes.

Submission:

Labcorp Genetics (formerly Invitae), Labcorp
Classification: Uncertain significance. Last evaluated: 2023-01-14. Review status: criteria provided, single submitter. Criteria: Invitae Variant Classification Sherloc (09022015). Collection method: clinical testing. Allele origin: germline.
Comment: In summary, the available evidence is currently insufficient to determine the role of this variant in disease. Therefore, it has been classified as a Variant of Uncertain Significance. Algorithms developed to predict the effect of missense changes on protein structure and function (SIFT, PolyPhen-2, Align-GVGD) all suggest that this variant is likely to be disruptive. ClinVar contains an entry for this variant (Variation ID: 1474024). This variant has not been reported in the literature in individuals affected with ASRGL1-related conditions. This variant is present in population databases (rs768601373, gnomAD 0.02%). This sequence change replaces glycine, which is neutral and non-polar, with glutamic acid, which is acidic and polar, at codon 272 of the ASRGL1 protein (p.Gly272Glu).

NM_001083926.2(ASRGL1):c.815G>A (p.Gly272Glu)

Gene: ASRGL1 (asparaginase and isoaspartyl peptidase 1; plus strand). Cytogenetic location: 11q12.3.
Variant type: single nucleotide variant.
Coding change: c.815G>A on transcript NM_001083926.2 (MANE Select); coding-DNA position 815, G replaced by A.
Protein change: p.Gly272Glu; replaces glycine 272 with glutamic acid.
Molecular consequence: missense variant.
Genome position (GRCh38, 1-based): chr11:62,392,172, G>A. VCF-style: chr11-62392172-G-A. GRCh37 (hg19) VCF-style: chr11-62159644-G-A.
Other names: c.815G>A, p.Gly272Glu (NM_025080.4); short protein forms G272E.
Identifiers: ClinVar variation 1474024 (VCV001474024.6), dbSNP rs768601373, ClinGen allele CA6043332.
Genomic context (GRCh38, chr11:62,392,172, plus strand): 5'-TGGGTTATATGAAGTCAAGGGTTAAAGGTTTAGGTGGCCTCATCGTGGTTAGCAAAACAG[G>A]AGACTGGGTGGCAAAGTGGACCTCCACCTCCATGCCCTGGGCAGCCGCCAAGGACGGCAA-3'
Protein context (NP_001077395.1, residues 262-282): LGGLIVVSKT[Gly272Glu]DWVAKWTSTS